The following is an entry in ClinVar:

NM_005068.3(SIM1):c.1942T>C (p.Tyr648His)

Gene: SIM1 (SIM bHLH transcription factor 1; minus strand). Cytogenetic location: 6q16.3.
Variant type: single nucleotide variant.
Coding change: c.1942T>C on transcript NM_005068.3 (MANE Select); coding-DNA position 1942, T replaced by C.
Protein change: p.Tyr648His; replaces tyrosine 648 with histidine.
Molecular consequence: missense variant.
Genome position (GRCh38, 1-based): chr6:100,390,720, A>G on the plus strand (T>C on the coding strand, the complement: SIM1 is on the minus strand). VCF-style: chr6-100390720-A-G. GRCh37 (hg19) VCF-style: chr6-100838596-A-G.
Other names: c.1942T>C, p.Tyr648His (NM_001374769.1); short protein forms Y648H.
Identifiers: ClinVar variation 1806549 (VCV001806549.1), dbSNP rs2481993814, ClinGen allele CA365297989.

ClinVar aggregate classification (germline): Uncertain significance (1 of 4 stars; one submission).

Submission:

GeneDx
Classification: Uncertain significance. Last evaluated: 2022-06-20. Review status: criteria provided, single submitter. Criteria: GeneDx Variant Classification Process June 2021. Collection method: clinical testing. Allele origin: germline. Affected: yes.
Comment: Not observed at significant frequency in large population cohorts (gnomAD); In silico analysis supports that this missense variant does not alter protein structure/function; Has not been previously published as pathogenic or benign to our knowledge